The following is an entry in ClinVar:

ClinVar aggregate classification (germline): Uncertain significance (1 of 4 stars; one submission).

Conditions:
Adams-Oliver syndrome 5 (AOS5). Identifiers: Orphanet 974, MedGen C4014970, MONDO:0014459, OMIM 616028.

Submission:

Labcorp Genetics (formerly Invitae), Labcorp
Classification: Uncertain significance for Adams-Oliver syndrome 5. Last evaluated: 2019-08-25. Review status: criteria provided, single submitter. Criteria: Invitae Variant Classification Sherloc (09022015). Collection method: clinical testing. Allele origin: germline.
Comment: In summary, the available evidence is currently insufficient to determine the role of this variant in disease. Therefore, it has been classified as a Variant of Uncertain Significance. Algorithms developed to predict the effect of missense changes on protein structure and function are either unavailable or do not agree on the potential impact of this missense change (SIFT: "Deleterious"; PolyPhen-2: "Benign"; Align-GVGD: "Class C65"). This variant has not been reported in the literature in individuals with NOTCH1-related conditions. This variant is not present in population databases (ExAC no frequency). This sequence change replaces proline with serine at codon 1786 of the NOTCH1 protein (p.Pro1786Ser). The proline residue is highly conserved and there is a moderate physicochemical difference between proline and serine.

NM_017617.5(NOTCH1):c.5356C>T (p.Pro1786Ser)

Gene: NOTCH1 (notch receptor 1; minus strand). Cytogenetic location: 9q34.3.
Variant type: single nucleotide variant.
Coding change: c.5356C>T on transcript NM_017617.5 (MANE Select); coding-DNA position 5356, C replaced by T.
Protein change: p.Pro1786Ser; replaces proline 1786 with serine.
Molecular consequence: missense variant.
Genome position (GRCh38, 1-based): chr9:136,502,300, G>A on the plus strand (C>T on the coding strand, the complement: NOTCH1 is on the minus strand). VCF-style: chr9-136502300-G-A. GRCh37 (hg19) VCF-style: chr9-139396752-G-A.
Other names: short protein forms P1786S.
Identifiers: ClinVar variation 945161 (VCV000945161.9), dbSNP rs1843010413, ClinGen allele CA375640389.